The following is an entry in ClinVar:

ClinVar aggregate classification (germline): Uncertain significance. Review status: criteria provided, multiple submitters, no conflicts (2 of 4 stars). 2 submissions from 2 submitters: Uncertain significance (2). Last evaluated 2024-10-10.

Conditions:
SCLT1-related disorder. Also called: SCLT1-related condition.

Allele frequency attached by ClinVar (database versions not stated): gnomAD exomes below 0.00001 and 0.00001; gnomAD 0.00007 and 0.00008; ESP Exome Variant Server 0.00008; TOPMed 0.00009.
gnomAD v4.1: 16 of 1,574,572 alleles (0.001%); highest among the groups gnomAD compares: African/African-American, 0.02%; no homozygotes.

Submissions (2):

PreventionGenetics, part of Exact Sciences
Classification: Uncertain significance for SCLT1-related condition. Last evaluated: 2024-10-10. Review status: criteria provided, single submitter. Criteria: ACMG Guidelines, 2015. Collection method: clinical testing. Allele origin: germline.
Comment: The SCLT1 c.35-8T>A variant is predicted to interfere with splicing. This variant is predicted to interfere with splicing by creating a cryptic splice acceptor site, based on available splicing prediction programs (SpliceAI, Jaganathan et al., 2019; PubMed ID: 30661751). However, the use of computer prediction programs is not equivalent to functional evidence. To our knowledge, this variant has not been reported in the literature. This variant is reported in 0.012% of alleles in individuals of African descent in gnomAD. At this time, the clinical significance of this variant is uncertain due to the absence of conclusive functional and genetic evidence.

Labcorp Genetics (formerly Invitae), Labcorp
Classification: Uncertain significance. Last evaluated: 2022-08-15. Review status: criteria provided, single submitter. Criteria: Invitae Variant Classification Sherloc (09022015). Collection method: clinical testing. Allele origin: germline.
Comment: This sequence change falls in intron 1 of the SCLT1 gene. It does not directly change the encoded amino acid sequence of the SCLT1 protein. This variant is present in population databases (rs370227213, gnomAD 0.01%). This variant has been observed in individual(s) with inherited retinal dystrophy (Invitae). ClinVar contains an entry for this variant (Variation ID: 1401039). Algorithms developed to predict the effect of sequence changes on RNA splicing suggest that this variant may disrupt the consensus splice site. In summary, the available evidence is currently insufficient to determine the role of this variant in disease. Therefore, it has been classified as a Variant of Uncertain Significance.

NM_144643.4(SCLT1):c.35-8T>A

Gene: SCLT1 (sodium channel and clathrin linker 1; minus strand). Cytogenetic location: 4q28.2.
Variant type: single nucleotide variant.
Coding change: c.35-8T>A on transcript NM_144643.4 (MANE Select); 8 bases into the intron before coding-DNA position 35, T replaced by A.
Molecular consequence: intron variant.
Genome position (GRCh38, 1-based): chr4:129,082,381, A>T on the plus strand (T>A on the coding strand, the complement: SCLT1 is on the minus strand). VCF-style: chr4-129082381-A-T. GRCh37 (hg19) VCF-style: chr4-130003536-A-T.
Other names: c.35-8T>A (NM_001300898.2, NM_001300897.2, NM_144643.3).
Identifiers: ClinVar variation 1401039 (VCV001401039.6), dbSNP rs370227213, ClinGen allele CA106093326.